The following is an entry in ClinVar:

NM_000548.5(TSC2):c.5226C>G (p.Ala1742=)

Gene: TSC2 (TSC complex subunit 2; plus strand). Cytogenetic location: 16p13.3.
Variant type: single nucleotide variant.
Coding change: c.5226C>G on transcript NM_000548.5 (MANE Select); coding-DNA position 5226, C replaced by G.
Protein change: p.Ala1742=; no amino-acid change (alanine 1742 retained).
Molecular consequence: synonymous variant. On other transcripts: non-coding transcript variant (5).
Genome position (GRCh38, 1-based): chr16:2,088,292, C>G. VCF-style: chr16-2088292-C-G. GRCh37 (hg19) VCF-style: chr16-2138293-C-G.
Other names: c.5025C>G, p.Ala1675= (NM_001077183.3); c.5157C>G, p.Ala1719= (NM_001114382.3); c.4917C>G, p.Ala1639= (NM_001318827.2); c.4881C>G, p.Ala1627= (NM_001318829.2); c.4494C>G, p.Ala1498= (NM_001318831.2); c.5058C>G, p.Ala1686= (NM_001318832.2); c.5028C>G, p.Ala1676= (NM_001363528.2); c.5094C>G, p.Ala1698= (NM_001370404.1); and 27 more.
Identifiers: ClinVar variation 1746177 (VCV001746177.6), dbSNP rs2091144761, ClinGen allele CA493043820.

ClinVar aggregate classification (germline): Benign/Likely benign. Review status: criteria provided, multiple submitters, no conflicts (2 of 4 stars). 3 submissions from 3 submitters: Benign (1); Likely benign (2). Last evaluated 2025-06-06.

Conditions:
Hereditary cancer-predisposing syndrome. Also called: Neoplastic Syndromes, Hereditary; Tumor predisposition; Hereditary Cancer Syndrome; Hereditary neoplastic syndrome. Identifiers: Orphanet 140162, MedGen C0027672, MeSH D009386, MONDO:0015356.
Tuberous sclerosis 2 (TSC2). Identifiers: Orphanet 805, MedGen C1860707, MONDO:0013199, OMIM 613254.

Allele frequency attached by ClinVar (database versions not stated): TOPMed below 0.00001.

Submissions (3):

Myriad Genetics, Inc.
Classification: Benign for Tuberous sclerosis 2. Last evaluated: 2025-06-06. Review status: criteria provided, single submitter. Criteria: Myriad Autosomal Dominant, Autosomal Recessive and X-Linked Classification Criteria (2023). Collection method: clinical testing. Allele origin: unknown.
Comment: This variant is considered benign. This variant is a silent/synonymous amino acid change and it is not expected to impact splicing.

Labcorp Genetics (formerly Invitae), Labcorp
Classification: Likely benign for Tuberous sclerosis 2. Last evaluated: 2024-10-06. Review status: criteria provided, single submitter. Criteria: Invitae Variant Classification Sherloc (09022015). Collection method: clinical testing. Allele origin: germline.

Ambry Genetics
Classification: Likely benign for Hereditary cancer-predisposing syndrome. Last evaluated: 2022-02-26. Review status: criteria provided, single submitter. Criteria: Ambry Variant Classification Scheme 2023. Collection method: clinical testing. Allele origin: germline.